The following is an entry in ClinVar:

NM_003072.5(SMARCA4):c.478C>A (p.Gln160Lys)

Gene: SMARCA4 (SWI/SNF related BAF chromatin remodeling complex subunit ATPase 4; plus strand). Cytogenetic location: 19p13.2.
Variant type: single nucleotide variant.
Coding change: c.478C>A on transcript NM_003072.5 (MANE Select); coding-DNA position 478, C replaced by A.
Protein change: p.Gln160Lys; replaces glutamine 160 with lysine.
Molecular consequence: missense variant. On other transcripts: non-coding transcript variant (1).
Genome position (GRCh38, 1-based): chr19:10,986,311, C>A. VCF-style: chr19-10986311-C-A. GRCh37 (hg19) VCF-style: chr19-11096987-C-A.
Other names: c.478C>A, p.Gln160Lys (NM_001128844.3, NM_001128845.2, NM_001128846.2 and 5 more transcripts); c.478C>A (NM_001128849.1); short protein forms Q160K.
Identifiers: ClinVar variation 1467141 (VCV001467141.9), dbSNP rs2145775329, ClinGen allele CA404056079.

ClinVar aggregate classification (germline): Uncertain significance. Review status: criteria provided, multiple submitters, no conflicts (2 of 4 stars). 2 submissions from 2 submitters: Uncertain significance (2). Last evaluated 2025-05-16.

Conditions:
Hereditary cancer-predisposing syndrome. Also called: Tumor predisposition; Hereditary Cancer Syndrome; Hereditary neoplastic syndrome; Neoplastic Syndromes, Hereditary. Identifiers: Orphanet 140162, MedGen C0027672, MeSH D009386, MONDO:0015356.
Rhabdoid tumor predisposition syndrome 2 (RTPS2). Identifiers: Orphanet 231108, Orphanet 69077, MedGen C2750074, MONDO:0013224, OMIM 613325.

Submissions (2):

Ambry Genetics
Classification: Uncertain significance for Hereditary cancer-predisposing syndrome. Last evaluated: 2025-05-16. Review status: criteria provided, single submitter. Criteria: Ambry Variant Classification Scheme 2023. Collection method: clinical testing. Allele origin: germline.
Comment: The p.Q160K variant (also known as c.478C>A), located in coding exon 3 of the SMARCA4 gene, results from a C to A substitution at nucleotide position 478. The glutamine at codon 160 is replaced by lysine, an amino acid with similar properties. This amino acid position is conserved. In addition, this alteration is predicted to be tolerated by in silico analysis. Based on the available evidence, the clinical significance of this variant remains unclear.

Labcorp Genetics (formerly Invitae), Labcorp
Classification: Uncertain significance for Rhabdoid tumor predisposition syndrome 2. Last evaluated: 2025-02-26. Review status: criteria provided, single submitter. Criteria: Invitae Variant Classification Sherloc (09022015). Collection method: clinical testing. Allele origin: germline.
Comment: This sequence change replaces glutamine, which is neutral and polar, with lysine, which is basic and polar, at codon 160 of the SMARCA4 protein (p.Gln160Lys). This variant is not present in population databases (gnomAD no frequency). This variant has not been reported in the literature in individuals affected with SMARCA4-related conditions. ClinVar contains an entry for this variant (Variation ID: 1467141). Invitae Evidence Modeling of protein sequence and biophysical properties (such as structural, functional, and spatial information, amino acid conservation, physicochemical variation, residue mobility, and thermodynamic stability) indicates that this missense variant is not expected to disrupt SMARCA4 protein function with a negative predictive value of 80%. In summary, the available evidence is currently insufficient to determine the role of this variant in disease. Therefore, it has been classified as a Variant of Uncertain Significance.